The following is an entry in ClinVar:

NM_000257.4(MYH7):c.3153G>A (p.Ala1051=)

Gene: MYH7 (myosin heavy chain 7; minus strand). Cytogenetic location: 14q11.2.
Variant type: single nucleotide variant.
Coding change: c.3153G>A on transcript NM_000257.4 (MANE Select); coding-DNA position 3153, G replaced by A.
Protein change: p.Ala1051=; no amino-acid change (alanine 1051 retained).
Molecular consequence: synonymous variant.
Genome position (GRCh38, 1-based): chr14:23,422,272, C>T on the plus strand (G>A on the coding strand, the complement: MYH7 is on the minus strand). VCF-style: chr14-23422272-C-T. GRCh37 (hg19) VCF-style: chr14-23891481-C-T.
Other names: NM_000257.3(MYH7):c.3153G>A.
Identifiers: ClinVar variation 42946 (VCV000042946.88), dbSNP rs45540831, ClinGen allele CA013398.
Genomic context (GRCh38, chr14:23,422,272, plus strand): 5'-ATTCTCCAGGTCCATGATGCTCTCCTGGGTCAGCTTCAGGTCGCCCTCCAGCTTCCGCTT[C>T]GCTCGCTCCAGGTCCATGCGCACCTTCTTCTCTTGCTCCAGGGATCCTTCCAGCTGGTAG-3'
Protein context (NP_000248.2, residues 1041-1061): EKKVRMDLER[Ala1051=]KRKLEGDLKL

ClinVar aggregate classification (germline): Benign. Review status: reviewed by expert panel (3 of 4 stars). 27 submissions from 25 submitters: Benign (1). 26 of the submissions do not count toward it. Last evaluated 2025-11-11.

Conditions:
Myosin storage myopathy (CMYO7A). Also called: MYH7-related late-onset scapuloperoneal muscular dystrophy; Congenital myopathy 7A, myosin storage, autosomal dominant; Scapuloperoneal myopathy, MYH7-related; MYOPATHY WITH LYSIS OF TYPE I MYOFIBRILS; SCAPULOPERONEAL MUSCULAR DYSTROPHY; SCAPULOPERONEAL SYNDROME, MYOPATHIC TYPE. Identifiers: Orphanet 437572, Orphanet 636965, MedGen C1842160, MONDO:0008409, OMIM 608358.
Cardiovascular phenotype. Identifiers: MedGen CN230736.
Cardiomyopathy (CMYO). Also called: Cardiomyopathies. Identifiers: Orphanet 167848, MedGen C0878544, MONDO:0004994, HP:0001638. Inheritance: Various modes of inheritance.
Hypertrophic cardiomyopathy 1 (CMH1). Also called: Familial hypertrophic cardiomyopathy 1; MYH7-Related Familial Hypertrophic Cardiomyopathy. Identifiers: MedGen C3495498, MONDO:0008647, OMIM 192600.
MYH7-related skeletal myopathy. Also called: Myopathy, distal, 1; MYOPATHY, DISTAL, EARLY-ONSET, AUTOSOMAL DOMINANT; MYOPATHY, LATE DISTAL HEREDITARY; Laing distal myopathy; Laing early-onset distal myopathy. Identifiers: Orphanet 59135, MedGen C4552004, MONDO:0008050, OMIM 160500.
Hypertrophic cardiomyopathy. Also called: HYPERTROPHIC MYOCARDIOPATHY. Identifiers: Orphanet 217569, MedGen C0007194, MeSH D002312, MONDO:0005045, HP:0001639.

Allele frequency attached by ClinVar (database versions not stated): 1000 Genomes Project 30x 0.00297; 1000 Genomes Project 0.00319; ExAC 0.00498; gnomAD 0.00505 and 0.00528; gnomAD exomes 0.00529; TOPMed 0.00536; ESP Exome Variant Server 0.00554.
gnomAD v4.1: 13,046 of 1,614,170 alleles (0.81%); highest among the groups gnomAD compares: Non-Finnish European, 1%; 62 homozygotes.

Submissions (27):

ClinGen Cardiomyopathy Variant Curation Expert Panel
Classification: Benign for Hypertrophic cardiomyopathy. Last evaluated: 2025-11-11. Review status: reviewed by expert panel. Criteria: ClinGen CMP ACMG Specifications v1. Collection method: curation. Allele origin: germline. Inheritance: Autosomal dominant inheritance.
Comment: The filtering allele frequency of the c.3153G>A (p.Ala1051=) variant in the MYH7 gene is 0.68% (490/66740) of European chromosomes by the Exome Aggregation Consortium, which is a high enough frequency to be classified as benign based on thresholds defined by the ClinGen Inherited Cardiomyopathy Expert Panel (BA1; PMID:29300372).

CeGaT Center for Human Genetics Tuebingen
Classification: Benign. Last evaluated: 2026-09-01. Review status: criteria provided, single submitter. Criteria: CeGaT Center For Human Genetics Tuebingen Variant Classification Criteria Version 2. Collection method: clinical testing. Allele origin: germline. Affected: yes. Observed: 53 variant alleles. Not counted in ClinVar's aggregate classification.
Comment: MYH7: BP4, BP7, BS1, BS2

Labcorp Genetics (formerly Invitae), Labcorp
Classification: Benign for Hypertrophic cardiomyopathy. Last evaluated: 2026-02-03. Review status: criteria provided, single submitter. Criteria: Invitae Variant Classification Sherloc (09022015). Collection method: clinical testing. Allele origin: germline. Not counted in ClinVar's aggregate classification.

ARUP Laboratories, Molecular Genetics and Genomics, ARUP Laboratories
Classification: Benign. Last evaluated: 2025-01-29. Review status: criteria provided, single submitter. Criteria: ARUP Molecular Germline Variant Investigation Process 2024. Collection method: clinical testing. Allele origin: germline. Not counted in ClinVar's aggregate classification.

Blueprint Genetics
Classification: Likely benign. Last evaluated: 2024-11-27. Review status: criteria provided, single submitter. Criteria: ACMG Guidelines, 2015. Collection method: clinical testing. Allele origin: germline. Not counted in ClinVar's aggregate classification.

Athena Diagnostics
Classification: Benign. Last evaluated: 2020-10-07. Review status: criteria provided, single submitter. Criteria: Athena Diagnostics criteria. Collection method: clinical testing. Allele origin: unknown. Not counted in ClinVar's aggregate classification.

Molecular Diagnostic Laboratory for Inherited Cardiovascular Disease, Montreal Heart Institute
Classification: Benign. Last evaluated: 2019-08-27. Review status: criteria provided, single submitter. Criteria: ACMG Guidelines, 2015. Collection method: clinical testing. Allele origin: germline. Affected: yes. Not counted in ClinVar's aggregate classification.

Illumina Laboratory Services, Illumina
Classification: Likely benign for Hypertrophic cardiomyopathy 1. Last evaluated: 2018-03-06. Review status: criteria provided, single submitter. Criteria: ICSL Variant Classification Criteria 13 December 2019. Collection method: clinical testing. Allele origin: germline. Not counted in ClinVar's aggregate classification.
Comment: This variant was observed in the ICSL laboratory as part of a predisposition screen in an ostensibly healthy population. It had not been previously curated by ICSL or reported in the Human Gene Mutation Database (HGMD: prior to June 1st, 2018), and was therefore a candidate for classification through an automated scoring system. Utilizing variant allele frequency, disease prevalence and penetrance estimates, and inheritance mode, an automated score was calculated to assess if this variant is too frequent to cause the disease. Based on the score and internal cut-off values, a variant classified as likely benign is not then subjected to further curation. The score for this variant resulted in a classification of likely benign for this disease.

Illumina Laboratory Services, Illumina
Classification: Likely benign for Myosin storage myopathy. Last evaluated: 2018-03-06. Review status: criteria provided, single submitter. Criteria: ICSL Variant Classification Criteria 13 December 2019. Collection method: clinical testing. Allele origin: germline. Not counted in ClinVar's aggregate classification.
Comment: the same text as in the submission from Illumina Laboratory Services, Illumina above.

Illumina Laboratory Services, Illumina
Classification: Benign for MYH7-related skeletal myopathy. Last evaluated: 2018-03-06. Review status: criteria provided, single submitter. Criteria: ICSL Variant Classification Criteria 13 December 2019. Collection method: clinical testing. Allele origin: germline. Not counted in ClinVar's aggregate classification.
Comment: This variant was observed in the ICSL laboratory as part of a predisposition screen in an ostensibly healthy population. It had not been previously curated by ICSL or reported in the Human Gene Mutation Database (HGMD: prior to June 1st, 2018), and was therefore a candidate for classification through an automated scoring system. Utilizing variant allele frequency, disease prevalence and penetrance estimates, and inheritance mode, an automated score was calculated to assess if this variant is too frequent to cause the disease. Based on the score and internal cut-off values, a variant classified as benign is not then subjected to further curation. The score for this variant resulted in a classification of benign for this disease.

Color Diagnostics, LLC DBA Color Health
Classification: Benign for Cardiomyopathy. Last evaluated: 2018-03-05. Review status: criteria provided, single submitter. Criteria: ACMG Guidelines, 2015. Collection method: clinical testing. Allele origin: germline. Not counted in ClinVar's aggregate classification.

Center for Pediatric Genomic Medicine, Children's Mercy Hospital and Clinics
Classification: Likely benign. Last evaluated: 2017-05-02. Review status: criteria provided, single submitter. Criteria: ACMG Guidelines, 2015. Collection method: clinical testing. Allele origin: germline. Not counted in ClinVar's aggregate classification.

Mayo Clinic Laboratories, Mayo Clinic
Classification: Benign. Last evaluated: 2015-12-31. Review status: criteria provided, single submitter. Criteria: ACMG Guidelines, 2015. Collection method: clinical testing. Allele origin: germline. Observed: 32 variant alleles. Not counted in ClinVar's aggregate classification.

Genomic Diagnostic Laboratory, Division of Genomic Diagnostics, Children's Hospital of Philadelphia
Classification: Benign for Familial hypertrophic cardiomyopathy 1. Last evaluated: 2015-06-17. Review status: criteria provided, single submitter. Criteria: DGD Variant Analysis Guidelines. Collection method: clinical testing. Allele origin: unknown. Not counted in ClinVar's aggregate classification.

Ambry Genetics
Classification: Benign for Cardiovascular phenotype. Last evaluated: 2015-05-15. Review status: criteria provided, single submitter. Criteria: Ambry Variant Classification Scheme 2023. Collection method: clinical testing. Allele origin: germline. Not counted in ClinVar's aggregate classification.

GeneDx
Classification: Benign. Last evaluated: 2015-03-03. Review status: criteria provided, single submitter. Criteria: GeneDx Variant Classification Process June 2021. Collection method: clinical testing. Allele origin: germline. Affected: yes. Not counted in ClinVar's aggregate classification.
Comment: This variant is associated with the following publications: (PMID: 26332594, 21302287)

Eurofins Ntd Llc (ga)
Classification: Benign. Last evaluated: 2014-11-14. Review status: criteria provided, single submitter. Criteria: EGL Classification Definitions 2015. Collection method: clinical testing. Allele origin: germline. Observed: 2 variant alleles, 2 heterozygotes. Not counted in ClinVar's aggregate classification.

Laboratory for Molecular Medicine, Mass General Brigham Personalized Medicine
Classification: Benign. Last evaluated: 2011-06-08. Review status: criteria provided, single submitter. Criteria: LMM Criteria. Collection method: clinical testing. Allele origin: germline. Observed: 81 variant alleles. Not counted in ClinVar's aggregate classification.
Comment: This variant is considered to be benign because it does not change an amino acid and is frequent in the general population(rs45540831 ; MAF> 1%)

Breakthrough Genomics
Classification: Benign. Review status: criteria provided, single submitter. Criteria: ACMG Guidelines, 2015. Collection method: not provided. Allele origin: germline. Inheritance: Autosomal recessive inheritance. Affected: yes. Not counted in ClinVar's aggregate classification.

PreventionGenetics, part of Exact Sciences
Classification: Benign. Review status: criteria provided, single submitter. Criteria: ACMG Guidelines, 2015. Collection method: clinical testing. Allele origin: germline. Not counted in ClinVar's aggregate classification.

Clinical Genetics DNA and cytogenetics Diagnostics Lab, Erasmus MC, Erasmus Medical Center
Classification: Benign. Review status: no assertion criteria provided. Collection method: clinical testing. Allele origin: germline. Affected: yes. Study: VKGL Data-share Consensus. Not counted in ClinVar's aggregate classification.

Clinical Genetics, Academic Medical Center
Classification: Benign. Review status: no assertion criteria provided. Collection method: clinical testing. Allele origin: germline. Affected: yes. Study: VKGL Data-share Consensus. Not counted in ClinVar's aggregate classification.

Diagnostic Laboratory, Department of Genetics, University Medical Center Groningen
Classification: Benign. Review status: no assertion criteria provided. Collection method: clinical testing. Allele origin: germline. Affected: yes. Study: VKGL Data-share Consensus. Not counted in ClinVar's aggregate classification.

Genetic Services Laboratory, University of Chicago
Classification: Likely benign for AllHighlyPenetrant. Review status: no assertion criteria provided. Collection method: clinical testing. Allele origin: germline. Inheritance: Autosomal dominant inheritance. Not counted in ClinVar's aggregate classification.
Comment: Likely benign based on allele frequency in 1000 Genomes Project or ESP global frequency and its presence in a patient with a rare or unrelated disease phenotype. NOT Sanger confirmed.

Genome Diagnostics Laboratory, University Medical Center Utrecht
Classification: Benign. Review status: no assertion criteria provided. Collection method: clinical testing. Allele origin: germline. Affected: yes. Study: VKGL Data-share Consensus. Not counted in ClinVar's aggregate classification.

Joint Genome Diagnostic Labs from Nijmegen and Maastricht, Radboudumc and MUMC+
Classification: Benign. Review status: no assertion criteria provided. Collection method: clinical testing. Allele origin: germline. Affected: yes. Study: VKGL Data-share Consensus. Not counted in ClinVar's aggregate classification.

Laboratory of Diagnostic Genome Analysis, Leiden University Medical Center (LUMC)
Classification: Likely benign. Review status: no assertion criteria provided. Collection method: clinical testing. Allele origin: germline. Affected: yes. Study: VKGL Data-share Consensus. Not counted in ClinVar's aggregate classification.

Literature cited by the submitters: PubMed 29300372 (cited by ClinGen Cardiomyopathy Variant Curation Expert Panel); PubMed 21302287 (cited by Athena Diagnostics); PubMed 26332594 (cited by Athena Diagnostics); PubMed 16858239 (cited by Athena Diagnostics); PubMed 15769782 (cited by Athena Diagnostics); PubMed 15358028 (cited by Athena Diagnostics); PubMed 20800588 (cited by Athena Diagnostics).